The following is an entry in ClinVar:

NM_000883.4(IMPDH1):c.1686_1689del (p.Val563fs)

Gene: IMPDH1 (inosine monophosphate dehydrogenase 1; minus strand). Cytogenetic location: 7q32.1.
Variant type: Microsatellite.
Coding change: c.1686_1689del on transcript NM_000883.4 (MANE Select); coding-DNA positions 1686 to 1689, 4 bases deleted (TGTC; older notation c.1686_1689delTGTC).
Protein change: p.Val563fs; shifts the reading frame from valine 563.
Molecular consequence: frameshift variant.
Genome position (GRCh38, 1-based): chr7:128,394,461-128,394,464, GACA deleted on the plus strand (TGTC on the coding strand, the reverse complement: IMPDH1 is on the minus strand); deleting any 4 consecutive bases within chr7:128,394,461-128,394,469 gives the same sequence; the c. name uses the placement nearest the transcript's 3' end. VCF-style (leftmost placement, unchanged base first): chr7-128394460-GGACA-G. GRCh37 (hg19) VCF-style: chr7-128034514-GGACA-G.
Other names: c.1656_1659del, p.Val553fs (NM_001102605.2); c.1431_1434del, p.Val478fs (NM_001142573.2); c.1416_1419del, p.Val473fs (NM_001142574.2); c.1356_1359del, p.Val453fs (NM_001142575.2); c.1587_1590del, p.Val530fs (NM_001142576.2); c.1479_1482del, p.Val494fs (NM_001304521.2); c.1578_1581del, p.Val527fs (NM_183243.3); short protein forms V473fs, V494fs, V553fs, V453fs, V527fs, V478fs, V530fs, V563fs.
Identifiers: ClinVar variation 1387645 (VCV001387645.6), dbSNP rs2116594089, ClinGen allele CA2580614258.

ClinVar aggregate classification (germline): Pathogenic (1 of 4 stars; one submission).

Submission:

Labcorp Genetics (formerly Invitae), Labcorp
Classification: Pathogenic. Last evaluated: 2023-07-21. Review status: criteria provided, single submitter. Criteria: Invitae Variant Classification Sherloc (09022015). Collection method: clinical testing. Allele origin: germline.
Comment: This sequence change creates a premature translational stop signal (p.Val563Phefs*4) in the IMPDH1 gene. It is expected to result in an absent or disrupted protein product. Loss-of-function variants in IMPDH1 are known to be pathogenic (PMID: 14981049, 33090715). This variant is not present in population databases (gnomAD no frequency). This variant has not been reported in the literature in individuals affected with IMPDH1-related conditions. For these reasons, this variant has been classified as Pathogenic.

Literature cited by the submitters: PubMed 14981049; PubMed 33090715.